The following is an entry in ClinVar:

NM_004260.4(RECQL4):c.1816G>T (p.Glu606Ter)

Gene: RECQL4 (RecQ like helicase 4; minus strand). Cytogenetic location: 8q24.3.
Variant type: single nucleotide variant.
Coding change: c.1816G>T on transcript NM_004260.4 (MANE Select); coding-DNA position 1816, G replaced by T.
Protein change: p.Glu606Ter; replaces glutamic acid 606 with a stop codon.
Molecular consequence: nonsense.
Genome position (GRCh38, 1-based): chr8:144,514,251, C>A on the plus strand (G>T on the coding strand, the complement: RECQL4 is on the minus strand). VCF-style: chr8-144514251-C-A. GRCh37 (hg19) VCF-style: chr8-145739635-C-A.
Other names: short protein forms E606*.
Identifiers: ClinVar variation 239708 (VCV000239708.5), dbSNP rs878854644, ClinGen allele CA10582564.
Genomic context (GRCh38, chr8:144,514,251, plus strand): 5'-TGCAGACGCGCAGGTAGCAGGGCCGGAAGTTGTGGGACCACTGGGAGAGGCAGTGGGCCT[C>A]ATCAATGCAGGCAAAAGCAACTGGAGGCAGCTGTGCGGCTGGAGGGAGGCCTCCCGCCCC-3'

ClinVar aggregate classification (germline): Pathogenic (1 of 4 stars; one submission).

Conditions:
Baller-Gerold syndrome (BGS). Also called: CRANIOSYNOSTOSIS WITH RADIAL DEFECTS. Identifiers: Orphanet 1225, MedGen C0265308, MONDO:0009039, OMIM 218600.

Allele frequency attached by ClinVar (database versions not stated): gnomAD exomes below 0.00001.
gnomAD v4.1: 3 of 1,612,264 alleles (0.00019%); highest among the groups gnomAD compares: Non-Finnish European, 0.00017%; no homozygotes.

Submission:

Labcorp Genetics (formerly Invitae), Labcorp
Classification: Pathogenic for Baller-Gerold syndrome. Last evaluated: 2022-02-24. Review status: criteria provided, single submitter. Criteria: Invitae Variant Classification Sherloc (09022015). Collection method: clinical testing. Allele origin: germline.
Comment: This variant has not been reported in the literature in individuals affected with RECQL4-related conditions. For these reasons, this variant has been classified as Pathogenic. Algorithms developed to predict the effect of sequence changes on RNA splicing suggest that this variant may create or strengthen a splice site. ClinVar contains an entry for this variant (Variation ID: 239708). This variant is not present in population databases (gnomAD no frequency). This sequence change creates a premature translational stop signal (p.Glu606*) in the RECQL4 gene. It is expected to result in an absent or disrupted protein product. Loss-of-function variants in RECQL4 are known to be pathogenic (PMID: 12734318, 12952869).

Literature cited by the submitters: PubMed 12734318; PubMed 12952869.